The following is an entry in ClinVar:

ClinVar aggregate classification (germline): Benign (0 of 4 stars; one submission).

Conditions:
DNMBP-related disorder. Also called: DNMBP-related condition.

Allele frequency attached by ClinVar (database versions not stated): gnomAD exomes 0.03773; gnomAD 0.04737; TOPMed 0.04770; 1000 Genomes Project 0.05411; 1000 Genomes Project 30x 0.05465; ExAC 0.06275.
gnomAD v4.1: 27,926 of 702,888 alleles (4%); highest among the groups gnomAD compares: South Asian, 8.3%; 783 homozygotes.

Submission:

PreventionGenetics, part of Exact Sciences
Classification: Benign for DNMBP-related condition. Last evaluated: 2019-04-05. Review status: no assertion criteria provided. Collection method: clinical testing. Allele origin: germline.
Comment: This variant is classified as benign based on ACMG/AMP sequence variant interpretation guidelines (Richards et al. 2015 PMID: 25741868, with internal and published modifications).

NM_015221.4(DNMBP):c.2261-21512C>T

Genes: DNMBP (dynamin binding protein; minus strand), DNMBP-AS1 (DNMBP antisense RNA 1; plus strand). Cytogenetic location: 10q24.2.
Variant type: single nucleotide variant.
Coding change: c.2261-21512C>T on transcript NM_015221.4 (MANE Select); 21512 bases into the intron before coding-DNA position 2261, C replaced by T.
Molecular consequence: intron variant. On other transcripts: missense variant (1).
Genome position (GRCh38, 1-based): chr10:99,930,658, G>A on the plus strand (C>T on the coding strand, the complement: DNMBP is on the minus strand). VCF-style: chr10-99930658-G-A. GRCh37 (hg19) VCF-style: chr10-101690415-G-A.
Other names: c.106C>T, p.Leu36Phe (NM_001318326.2); short protein forms L36F.
Identifiers: ClinVar variation 3059766 (VCV003059766.2), dbSNP rs11190326, ClinGen allele CA5645025.